The following is an entry in ClinVar:

NM_006915.3(RP2):c.2T>G (p.Met1Arg)

Genes: RP2 (RP2 activator of ARL3 GTPase; plus strand), LOC130068202 (ATAC-STARR-seq lymphoblastoid active region 29577; plus strand). Cytogenetic location: Xp11.3.
Variant type: single nucleotide variant.
Coding change: c.2T>G on transcript NM_006915.3 (MANE Select); coding-DNA position 2, T replaced by G.
Protein change: p.Met1Arg; changes the start codon (methionine 1).
Molecular consequence: missense variant, initiator codon variant.
Genome position (GRCh38, 1-based): chrX:46,837,102, T>G. VCF-style: chrX-46837102-T-G. GRCh37 (hg19) VCF-style: chrX-46696537-T-G.
Other names: short protein forms M1R.
Identifiers: ClinVar variation 2000303 (VCV002000303.5), dbSNP rs797044561, ClinGen allele CA413038135.

ClinVar aggregate classification (germline): Pathogenic (1 of 4 stars; one submission).

Submission:

Labcorp Genetics (formerly Invitae), Labcorp
Classification: Pathogenic. Last evaluated: 2025-04-28. Review status: criteria provided, single submitter. Criteria: Invitae Variant Classification Sherloc (09022015). Collection method: clinical testing. Allele origin: germline.
Comment: This sequence change affects the initiator codon of the RP2 mRNA. This change may impact translation initiation or efficiency. The next in-frame methionine is located at codon 41. This variant is not present in population databases (gnomAD no frequency). Disruption of the initiator codon has been observed in individuals with retinitis pigmentosa (PMID: 26355662, 29847639). ClinVar contains an entry for this variant (Variation ID: 2000303). This variant disrupts a region of the RP2 protein in which other variant(s) (p.Ser6del) have been determined to be pathogenic (PMID: 9697692, 10942419, 17724181, 28209709; internal data). This suggests that this is a clinically significant region of the protein, and that variants that disrupt it are likely to be disease-causing. For these reasons, this variant has been classified as Pathogenic.

Literature cited by the submitters: PubMed 26355662; PubMed 29847639; PubMed 9697692; PubMed 10942419; PubMed 17724181; PubMed 28209709.